The following is an entry in ClinVar:

ClinVar aggregate classification (germline): Uncertain significance. Review status: criteria provided, multiple submitters, no conflicts (2 of 4 stars). 6 submissions from 6 submitters: Uncertain significance (6). Last evaluated 2026-05-05.

Conditions:
Hereditary cancer-predisposing syndrome. Also called: Neoplastic Syndromes, Hereditary; Hereditary Cancer Syndrome; Hereditary neoplastic syndrome; Tumor predisposition. Identifiers: Orphanet 140162, MedGen C0027672, MeSH D009386, MONDO:0015356.
Hereditary breast ovarian cancer syndrome. Also called: Hereditary breast and ovarian cancer syndrome (HBOC); BRCA1- and BRCA2-Associated Hereditary Breast and Ovarian Cancer; Hereditary breast and/or ovarian cancer syndrome; Hereditary breast and ovarian cancer syndrome; Hereditary breast and ovarian cancer; Breast and ovarian cancer. Identifiers: Orphanet 145, MedGen C0677776, MeSH D061325, MONDO:0003582. Disease mechanism: loss of function.
Breast-ovarian cancer, familial, susceptibility to, 2 (BROVCA2). Also called: BRCA2 Hereditary Breast and Ovarian Cancer. Identifiers: Orphanet 145, MedGen C2675520, MONDO:0012933, OMIM 612555. Disease mechanism: loss of function.

Allele frequency attached by ClinVar (database versions not stated): gnomAD exomes below 0.00001.
gnomAD v4.1: 2 of 1,614,002 alleles (0.00012%); highest among the groups gnomAD compares: Admixed American, 0.0033%; no homozygotes.

Submissions (6):

Institute for Biomarker Research, Medical Diagnostic Laboratories, L.L.C.
Classification: Uncertain significance for Hereditary breast ovarian cancer syndrome. Last evaluated: 2026-05-05. Review status: criteria provided, single submitter. Criteria: ACMG Guidelines, 2015. Collection method: clinical testing. Allele origin: germline.
Comment: The missense variant NM_000059.3(BRCA2):c.29C>A (p.Thr10Lys) is not currently classified as pathogenic or benign in clinical sources (Accession: VCV000375446.21). The p.Thr10Lys variant is observed in 2/60,014 (0.0033%) alleles from individuals of gnomAD v4 AdmixedAmerican background in gnomAD v4 All. The p.Thr10Lys variant is novel (not in any individuals) in 1kG All. There is a moderate physicochemical difference between threonine and lysine. For these reasons, this variant has been classified as Uncertain Significance.

Labcorp Genetics (formerly Invitae), Labcorp
Classification: Uncertain significance for Hereditary breast ovarian cancer syndrome. Last evaluated: 2026-01-06. Review status: criteria provided, single submitter. Criteria: Invitae Variant Classification Sherloc (09022015). Collection method: clinical testing. Allele origin: germline.
Comment: This sequence change replaces threonine, which is neutral and polar, with lysine, which is basic and polar, at codon 10 of the BRCA2 protein (p.Thr10Lys). This variant is not present in population databases (gnomAD no frequency). This missense change has been observed in individual(s) with breast cancer (PMID: 29021639). ClinVar contains an entry for this variant (Variation ID: 375446). Invitae Evidence Modeling of protein sequence and biophysical properties (such as structural, functional, and spatial information, amino acid conservation, physicochemical variation, residue mobility, and thermodynamic stability) indicates that this missense variant is not expected to disrupt BRCA2 protein function with a negative predictive value of 95%. In summary, the available evidence is currently insufficient to determine the role of this variant in disease. Therefore, it has been classified as a Variant of Uncertain Significance.

Color Diagnostics, LLC DBA Color Health
Classification: Uncertain significance for Hereditary cancer-predisposing syndrome. Last evaluated: 2024-07-30. Review status: criteria provided, single submitter. Criteria: ACMG Guidelines, 2015. Collection method: clinical testing. Allele origin: germline.
Comment: This missense variant replaces threonine with lysine at codon 10 of the BRCA2 protein. Computational prediction suggests that this variant may not impact protein structure and function. To our knowledge, functional studies have not been reported for this variant. This variant has been reported in an individual affected with breast cancer (PMID: 29021639) and in a multifactorial analysis with likelihood ratio of pathogenicity of 1.362 (based on log(LR) = 0.134) (PMID: 31853058). This variant has not been identified in the general population by the Genome Aggregation Database (gnomAD). The available evidence is insufficient to determine the role of this variant in disease conclusively. Therefore, this variant is classified as a Variant of Uncertain Significance.

Ambry Genetics
Classification: Uncertain significance for Hereditary cancer-predisposing syndrome. Last evaluated: 2024-06-08. Review status: criteria provided, single submitter. Criteria: Ambry Variant Classification Scheme 2023. Collection method: clinical testing. Allele origin: germline.
Comment: The p.T10K variant (also known as c.29C>A), located in coding exon 1 of the BRCA2 gene, results from a C to A substitution at nucleotide position 29. The threonine at codon 10 is replaced by lysine, an amino acid with similar properties. This amino acid position is well conserved in available vertebrate species. In addition, this alteration is predicted to be tolerated by in silico analysis. Since supporting evidence is limited at this time, the clinical significance of this alteration remains unclear.

All of Us Research Program, National Institutes of Health
Classification: Uncertain significance for Breast-ovarian cancer, familial, susceptibility to, 2. Last evaluated: 2023-08-15. Review status: criteria provided, single submitter. Criteria: ACMG Guidelines, 2015. Collection method: clinical testing. Allele origin: germline. Inheritance: Autosomal dominant inheritance. Observed: 1 variant allele, 1 heterozygote.
Comment: This missense variant replaces threonine with lysine at codon 10 of the BRCA2 protein. Computational prediction suggests that this variant may not impact protein structure and function (internally defined REVEL score threshold <= 0.5, PMID: 27666373). Splice site prediction tools suggest that this variant may not impact RNA splicing. To our knowledge, functional studies have not been performed for this variant. This variant has not been reported in individuals affected with hereditary cancer in the literature. This variant has not been identified in the general population by the Genome Aggregation Database (gnomAD). The available evidence is insufficient to determine the role of this variant in disease conclusively. Therefore, this variant is classified as a Variant of Uncertain Significance.

This study involves interpretation of variants in research participants for the purpose of population health screening. Participant phenotype was not available at the time of variant classification. Additional details can be found in publication PMID: 35346344, PMCID: PMC8962531

Women's Health and Genetics/Laboratory Corporation of America, LabCorp
Classification: Uncertain significance for Hereditary breast ovarian cancer syndrome. Last evaluated: 2014-07-25. Review status: criteria provided, single submitter. Criteria: LabCorp Variant Classification Summary - May 2015. Collection method: clinical testing. Allele origin: germline.

Literature cited by the submitters: PubMed 29021639 (cited by Labcorp Genetics (formerly Invitae), Labcorp and Color Diagnostics, LLC DBA Color Health); PubMed 31853058 (cited by Color Diagnostics, LLC DBA Color Health).

NM_000059.4(BRCA2):c.29C>A (p.Thr10Lys)

Gene: BRCA2 (BRCA2 DNA repair associated; plus strand). Cytogenetic location: 13q13.1.
Variant type: single nucleotide variant.
Coding change: c.29C>A on transcript NM_000059.4 (MANE Select); coding-DNA position 29, C replaced by A.
Protein change: p.Thr10Lys; replaces threonine 10 with lysine.
Molecular consequence: missense variant.
Genome position (GRCh38, 1-based): chr13:32,316,489, C>A. VCF-style: chr13-32316489-C-A. GRCh37 (hg19) VCF-style: chr13-32890626-C-A.
Other names: short protein forms T10K.
Identifiers: ClinVar variation 375446 (VCV000375446.22), dbSNP rs1057519494, ClinGen allele CA16044272.